The following is an entry in ClinVar:

ClinVar aggregate classification (germline): Likely pathogenic (1 of 4 stars; one submission).

Conditions:
Meckel-Gruber syndrome. Also called: DYSENCEPHALIA SPLANCHNOCYSTICA; GRUBER SYNDROME; Dysencephalia splachnocystica. Identifiers: Orphanet 564, MedGen C0265215, MONDO:0018921.
Joubert syndrome. Also called: CEREBELLOPARENCHYMAL DISORDER IV; JOUBERT-BOLTSHAUSER SYNDROME; Familial aplasia of the vermis. Identifiers: Orphanet 475, MedGen C5979921, MONDO:0018772.

Submission:

Labcorp Genetics (formerly Invitae), Labcorp
Classification: Likely pathogenic for Joubert syndrome; Meckel-Gruber syndrome. Last evaluated: 2021-04-23. Review status: criteria provided, single submitter. Criteria: Invitae Variant Classification Sherloc (09022015). Collection method: clinical testing. Allele origin: germline.
Comment: This variant has not been reported in the literature in individuals with MKS1-related conditions. This variant is not present in population databases (ExAC no frequency). This sequence change affects a donor splice site in intron 12 of the MKS1 gene. It is expected to disrupt RNA splicing. Variants that disrupt the donor or acceptor splice site typically lead to a loss of protein function (PMID: 16199547), and loss-of-function variants in MKS1 are known to be pathogenic (PMID: 19466712, 24886560, 26490104). In summary, the currently available evidence indicates that the variant is pathogenic, but additional data are needed to prove that conclusively. Therefore, this variant has been classified as Likely Pathogenic. Algorithms developed to predict the effect of sequence changes on RNA splicing suggest that this variant may disrupt the consensus splice site, but this prediction has not been confirmed by published transcriptional studies.

Literature cited by the submitters: PubMed 16199547; PubMed 19466712; PubMed 24886560; PubMed 26490104.

NM_017777.4(MKS1):c.1095+2T>C

Gene: MKS1 (MKS transition zone complex subunit 1; minus strand). Cytogenetic location: 17q22.
Variant type: single nucleotide variant.
Coding change: c.1095+2T>C on transcript NM_017777.4 (MANE Select); the canonical splice donor site of the intron after coding-DNA position 1095, T replaced by C.
Molecular consequence: splice donor variant.
Genome position (GRCh38, 1-based): chr17:58,208,511, A>G on the plus strand (T>C on the coding strand, the complement: MKS1 is on the minus strand). VCF-style: chr17-58208511-A-G. GRCh37 (hg19) VCF-style: chr17-56285872-A-G.
Other names: c.486+2T>C (NM_001321268.2); c.1095+2T>C (NM_001330397.2, NM_001321269.2, NM_001411113.1).
Identifiers: ClinVar variation 1524822 (VCV001524822.8), dbSNP rs2143756871, ClinGen allele CA400325775.